The following is an entry in ClinVar:

NM_201596.3(CACNB2):c.*10G>A

Gene: CACNB2 (calcium voltage-gated channel auxiliary subunit beta 2; plus strand). Cytogenetic location: 10p12.31.
Variant type: single nucleotide variant.
Coding change: c.*10G>A on transcript NM_201596.3 (MANE Select); 10 bases downstream of the stop codon, G replaced by A.
Molecular consequence: 3 prime UTR variant.
Genome position (GRCh38, 1-based): chr10:18,539,734, G>A. VCF-style: chr10-18539734-G-A. GRCh37 (hg19) VCF-style: chr10-18828663-G-A.
Other names: c.*10G>A (NM_000724.4, NM_001167945.2, NM_001330060.2 and 6 more transcripts).
Identifiers: ClinVar variation 379618 (VCV000379618.2), dbSNP rs4747352, ClinGen allele CA16606652.

ClinVar aggregate classification (germline): Likely benign. Review status: criteria provided, multiple submitters, no conflicts (2 of 4 stars). 2 submissions from 2 submitters: Likely benign (2). Last evaluated 2025-07-07.

Conditions:
CACNB2-related disorder. Also called: CACNB2-related condition.

gnomAD v4.1: 6 of 1,577,806 alleles (0.00038%); highest among the groups gnomAD compares: African/African-American, 0.0056%; no homozygotes.

Submissions (2):

PreventionGenetics, part of Exact Sciences
Classification: Likely benign for CACNB2-related condition. Last evaluated: 2025-07-07. Review status: criteria provided, single submitter. Criteria: ACMG Guidelines, 2015. Collection method: clinical testing. Allele origin: germline.
Comment: This variant is classified as likely benign based on ACMG/AMP sequence variant interpretation guidelines (Richards et al. 2015 PMID: 25741868, with internal and published modifications).

GeneDx
Classification: Likely benign. Last evaluated: 2016-02-16. Review status: criteria provided, single submitter. Criteria: GeneDx Variant Classification (06012015). Collection method: clinical testing. Allele origin: germline. Affected: yes.
Comment: This variant is considered likely benign or benign based on one or more of the following criteria: it is a conservative change, it occurs at a poorly conserved position in the protein, it is predicted to be benign by multiple in silico algorithms, and/or has population frequency not consistent with disease.